The following is an entry in ClinVar:

NM_016156.6(MTMR2):c.80+7A>G

Gene: MTMR2 (myotubularin related protein 2; minus strand). Cytogenetic location: 11q21.
Variant type: single nucleotide variant.
Coding change: c.80+7A>G on transcript NM_016156.6 (MANE Select); 7 bases into the intron after coding-DNA position 80, A replaced by G.
Molecular consequence: intron variant.
Genome position (GRCh38, 1-based): chr11:95,923,868, T>C on the plus strand (A>G on the coding strand, the complement: MTMR2 is on the minus strand). VCF-style: chr11-95923868-T-C. GRCh37 (hg19) VCF-style: chr11-95657032-T-C.
Other names: c.-208+7A>G (NM_201281.3); c.-331+7A>G (NM_201278.3); c.-404+7A>G (NM_001243571.2); c.80+7A>G (NM_016156.5).
Identifiers: ClinVar variation 1641172 (VCV001641172.10), dbSNP rs1376851490, ClinGen allele CA600874732.

ClinVar aggregate classification (germline): Likely benign. Review status: criteria provided, multiple submitters, no conflicts (2 of 4 stars). 3 submissions from 3 submitters: Likely benign (3). Last evaluated 2026-03-06.

Conditions:
Charcot-Marie-Tooth disease type 4. Also called: Charcot-Marie-Tooth disease, type IV; Charcot-Marie-Tooth, Type 4. Identifiers: Orphanet 64749, MedGen C4082197, MONDO:0018995.
MTMR2-related disorder. Also called: MTMR2-related condition.

Allele frequency attached by ClinVar (database versions not stated): gnomAD exomes 0.00002 and 0.00003; TOPMed 0.00002; gnomAD 0.00003 and 0.00004.
gnomAD v4.1: 40 of 1,535,946 alleles (0.0026%); highest among the groups gnomAD compares: Non-Finnish European, 0.0034%; no homozygotes.

Submissions (3):

PreventionGenetics, part of Exact Sciences
Classification: Likely benign for MTMR2-related condition. Last evaluated: 2026-03-06. Review status: criteria provided, single submitter. Criteria: ACMG Guidelines, 2015. Collection method: clinical testing. Allele origin: germline.
Comment: This variant is classified as likely benign based on ACMG/AMP sequence variant interpretation guidelines (Richards et al. 2015 PMID: 25741868, with internal and published modifications).

Labcorp Genetics (formerly Invitae), Labcorp
Classification: Likely benign for Charcot-Marie-Tooth disease type 4. Last evaluated: 2024-12-16. Review status: criteria provided, single submitter. Criteria: Invitae Variant Classification Sherloc (09022015). Collection method: clinical testing. Allele origin: germline.

Blueprint Genetics
Classification: Likely benign. Last evaluated: 2023-06-19. Review status: criteria provided, single submitter. Criteria: ACMG Guidelines, 2015. Collection method: clinical testing. Allele origin: germline.